The following is an entry in ClinVar:

ClinVar aggregate classification (germline): Conflicting classifications of pathogenicity. Review status: criteria provided, conflicting classifications (1 of 4 stars). 19 submissions from 19 submitters: Likely pathogenic (5); Uncertain significance (12). 2 of the submissions do not count toward it. Last evaluated 2026-02-13.

Conditions:
CHEK2-related cancer predisposition (TPDS4). Also called: TUMOR PREDISPOSITION SYNDROME 4; CANCER PREDISPOSITION SYNDROME, CHEK2-RELATED; CHEK2-related cancer susceptibility. Identifiers: Orphanet 524, MedGen C5882668, MONDO:0700271, OMIM 609265.
Bone osteosarcoma. Also called: Osteosarcoma, somatic. Identifiers: Orphanet 668, MedGen C0585442, MONDO:0002629, OMIM 259500.
Familial prostate cancer. Also called: Hereditary Prostate Cancer. Identifiers: MedGen C2931456, MONDO:0700275, OMIM 176807.
Hereditary cancer-predisposing syndrome. Also called: Neoplastic Syndromes, Hereditary; Hereditary neoplastic syndrome; Hereditary Cancer Syndrome; Tumor predisposition. Identifiers: Orphanet 140162, MedGen C0027672, MeSH D009386, MONDO:0015356.
Hereditary breast ovarian cancer syndrome. Also called: Breast and ovarian cancer; Hereditary breast and/or ovarian cancer syndrome; Hereditary breast and ovarian cancer syndrome; Hereditary breast and ovarian cancer syndrome (HBOC); Hereditary breast and ovarian cancer; BRCA1- and BRCA2-Associated Hereditary Breast and Ovarian Cancer. Identifiers: Orphanet 145, MedGen C0677776, MeSH D061325, MONDO:0003582. Disease mechanism: loss of function.
Familial cancer of breast. Also called: BREAST CANCER, FAMILIAL; hereditary breast carcinoma; Hereditary breast cancer. Identifiers: Orphanet 227535, MedGen C0346153, MONDO:0016419, OMIM 114480. Disease mechanism: loss of function.
Malignant tumor of breast. Also called: Cancer breast; Malignant breast neoplasm. Identifiers: MedGen C0006142, MONDO:0007254. Disease mechanism: loss of function.

Allele frequency attached by ClinVar (database versions not stated): gnomAD 0.00002; TOPMed 0.00002; gnomAD exomes 0.00004; ExAC 0.00006; ESP Exome Variant Server 0.00008.
gnomAD v4.1: 78 of 1,613,584 alleles (0.0048%); highest among the groups gnomAD compares: Middle Eastern, 0.016%; no homozygotes.

Submissions 1 to 6 of 19:

Ambry Genetics
Classification: Likely pathogenic for Hereditary cancer-predisposing syndrome. Last evaluated: 2026-02-13. Review status: criteria provided, single submitter. Criteria: Ambry Variant Classification Scheme 2023. Collection method: clinical testing. Allele origin: germline.
Comment: The p.A392V variant (also known as c.1175C>T), located in coding exon 10 of the CHEK2 gene, results from a C to T substitution at nucleotide position 1175. The alanine at codon 392 is replaced by valine, an amino acid with similar properties. Across studies, this alteration has been identified in both breast cancer cases and unaffected controls (Soumittra N et al. Hered. Cancer Clin. Pract. 2009 Aug;7:13; Decker B et al. J. Med. Genet., 2017 11;54:732-741; Li JY et al. Int. J. Cancer, 2019 01;144:281-289; Zografos E et al. Genes (Basel), 2022 Jul;13; Zografos E et al. BMC Cancer, 2021 May;21:572; Andrikopoulou A et al. Front Oncol, 2021 Jan;11:797505; Hauke J et al. Cancer Med. 2018 Apr;7(4):1349-1358). In a large case-control study, this variant was reported in 15/60,466 breast cancer cases and in 4/53,461 controls (Dorling et al. N Engl J Med 2021 02;384:428-439). This alteration was reported as damaging in an mES cell-based assay of CHEK2 activity (Boonen RACM et al. Cancer Res, 2022 02;82:615-631) and non-functional in an in vivo, yeast-based growth rate assay (Delimitsou A et al. Hum. Mutat., 2019 05;40:631-648). This alteration was also reported as functionally impaired in a study assessing CHEK2-complementation through quantification of KAP1 phosphorylation and CHK2 autophosphorylation in human RPE1-CHEK2-knockout cells (Stolarova L et al. Clin Cancer Res. 2023 Aug;29(16):3037-3050), as well as two yeast-based saturation genome editing functional studies (McCarthy-Leo CE et al. PLoS Genet. 2024 Aug;20(8):e1011375; Gebbia M et al. Am J Hum Genet. 2024 Dec;111(12):2675-2692). This amino acid position is highly conserved in available vertebrate species. In addition, this alteration is predicted to be deleterious by in silico analysis. Based on internal structural analysis, this variant is anticipated to result in a significant decrease in structural stability (Ambry internal data). Based on the majority of available evidence to date, this variant is likely to be pathogenic.

Women's Health and Genetics/Laboratory Corporation of America, LabCorp
Classification: Uncertain significance. Last evaluated: 2025-12-22. Review status: criteria provided, single submitter. Criteria: LabCorp Variant Classification Summary - May 2015. Collection method: clinical testing. Allele origin: germline.
Comment: Variant summary: CHEK2 c.1175C>T (p.Ala392Val) results in a non-conservative amino acid change located in the Protein kinase domain (IPR000719) of the encoded protein sequence. Algorithms developed to predict the effect of missense changes on protein structure and function all suggest that this variant is likely to be disruptive. The variant allele was found at a frequency of 3.6e-05 in 251060 control chromosomes (gnomAD). c.1175C>T has been reported in the literature in individuals affected with Hereditary Breast and Ovarian Cancer, lung cancer, melanoma (Soumittra_2009, Guauque-Olarte_2016, Riaz_2017, Li_2018). These reports do not provide unequivocal conclusions about association of the variant with Hereditary Breast And Ovarian Cancer Syndrome. At least one publication reports experimental evidence evaluating an impact on protein function. The most pronounced variant effect results in more than 80% reduction in downstream Kap1 phosphorylation by mutant CHEK protein and this effect is associated with significantly decreased protein stability (>70% reduction) and loss of autophosphorylation (Boonen_2022). The following publications have been ascertained in the context of this evaluation (PMID: 34903604, 30851065, No PMID, 29752822, 29021619, 19656415). ClinVar contains an entry for this variant (Variation ID: 141136). Based on the evidence outlined above, the variant was classified as VUS-possibly pathogenic.

KCCC/NGS Laboratory, Kuwait Cancer Control Center
Classification: Uncertain significance for CHEK2-related cancer predisposition. Last evaluated: 2025-12-01. Review status: criteria provided, single submitter. Criteria: ACMG Guidelines, 2015. Collection method: clinical testing. Allele origin: germline. Inheritance: Autosomal dominant inheritance. Affected: yes.
Comment: Therefore, it has been classified as a Variant of Uncertain Significance.

Quest Diagnostics Nichols Institute San Juan Capistrano
Classification: Likely pathogenic. Last evaluated: 2025-09-08. Review status: criteria provided, single submitter. Criteria: Quest Diagnostics criteria. Collection method: clinical testing. Allele origin: unknown.
Comment: The CHEK2 c.1175C>T (p.Ala392Val) variant has been identified in multiple individuals with breast cancer (PMIDs: 19656415 (2009), 28779002 (2017), 29752822 (2018), 34011307 (2021), 35127508 (2021), 36011273 (2022), 37449874 (2023), 38476463 (2023), 33471991 (2021), see LOVD), as well as in reportedly unaffected individuals (PMIDs: 28779002 (2017), 33471991 (2021), 37449874 (2023)). Experimental studies indicates this variant results in abnormal protein function in vivo (PMID: 30851065 (2019), 34903604 (2021), 37449874 (2023)). The frequency of this variant in the general population (Genome Aggregation Database) is uninformative in the assessment of its pathogenicity. Analysis of this variant using bioinformatics tools for the prediction of the effect of amino acid changes on protein structure and function yielded predictions that this variant is damaging. Based on the available information, this variant is classified as likely pathogenic.

GeneDx
Classification: Likely pathogenic. Last evaluated: 2025-09-03. Review status: criteria provided, single submitter. Criteria: GeneDx Variant Classification Process June 2021. Collection method: clinical testing. Allele origin: germline. Affected: yes.
Comment: Published functional studies demonstrate a damaging effect: defective protein stability, auto-phosphorylation and kinase activity (PMID: 30851065, 34903604, 37449874); In silico analysis supports that this missense variant has a deleterious effect on protein structure/function; Not observed at significant frequency in large population cohorts (gnomAD); Observed in individuals with personal and/or family history of breast cancer (PMID: 19656415, 28779002, 29522266, 29752822, 35127508, 34011307, 34326862, 37449874, 39624521, 38476463); This variant is associated with the following publications: (PMID: 19656415, 22920209, 26466571, 28743916, 29522266, 35127508, 29752822, 31398194, 28779002, 29021619, 34903604, 34011307, 30851065, 36011273, AlonsoN2024[article], 37449874, 34326862, Gebbia2024[PrePrint], 39624521, 38201513, 33471991, 22419737, 19782031, 39642869, 38476463)

Color Diagnostics, LLC DBA Color Health
Classification: Uncertain significance for Hereditary cancer-predisposing syndrome. Last evaluated: 2025-07-16. Review status: criteria provided, single submitter. Criteria: ACMG Guidelines, 2015. Collection method: clinical testing. Allele origin: germline.
Comment: This missense variant replaces alanine with valine at codon 392 of the CHEK2 protein. Computational prediction suggests that this variant may have deleterious impact on protein structure and function. Experimental functional studies have demonstrated this variant to be damaging in a yeast DNA damage repair assay (PMID: 30851065), deficient in Ser516 autophosphorylation (PMID: 28743916, 37449874) and Kap1 Ser473 phosphorylation in cell-based kinase assays (PMID: 34903604, 37449874). This variant has been reported in individuals affected with breast cancer (PMID: 19656415, 29522266, 29752822, 33471991, 34011307, 38476463) and has been observed in breast cancer case-control meta-analyses (PMID: 33471991: found in 15/60466 women with breast cancer and 4/53461 unaffected controlsPMID: 37449874: 15 breast cancer cases, 5 unaffected controls, OR 2.54 [95% CI 0.88-8.94]). This variant also has been identified in 9/251060 chromosomes in the general population by the Genome Aggregation Database (gnomAD) and has been observed in an individual over 70 with no personal history of cancer (FLOSSIES). Although there is a suspicion that this variant may be associated with disease, additional clinical studies are necessary to determine the role of this variant in disease conclusively. Therefore, this variant is classified as a Variant of Uncertain Significance.

NM_007194.4(CHEK2):c.1175C>T (p.Ala392Val)

Gene: CHEK2 (checkpoint kinase 2; minus strand). Cytogenetic location: 22q12.1.
Variant type: single nucleotide variant.
Coding change: c.1175C>T on transcript NM_007194.4 (MANE Select); coding-DNA position 1175, C replaced by T.
Protein change: p.Ala392Val; replaces alanine 392 with valine.
Molecular consequence: missense variant.
Genome position (GRCh38, 1-based): chr22:28,695,794, G>A on the plus strand (C>T on the coding strand, the complement: CHEK2 is on the minus strand). VCF-style: chr22-28695794-G-A. GRCh37 (hg19) VCF-style: chr22-29091782-G-A.
Other names: c.1088C>T, p.Ala363Val (NM_145862.3); c.1304C>T, p.Ala435Val (NM_001005735.3); c.512C>T, p.Ala171Val (NM_001257387.3); c.974C>T, p.Ala325Val (NM_001349956.3); short protein forms A392V, A325V, A435V, A171V, A363V.
Identifiers: ClinVar variation 141136 (VCV000141136.88), dbSNP rs373073383, ClinGen allele CA164560.